The following is an entry in ClinVar:

ClinVar aggregate classification (germline): Uncertain significance (1 of 4 stars; one submission).

Conditions:
LAMA2-related muscular dystrophy (LAMA2-RD). Also called: Laminin alpha 2-related dystrophy. Identifiers: MedGen C5679788, MONDO:0100228.

Submission:

Labcorp Genetics (formerly Invitae), Labcorp
Classification: Uncertain significance for LAMA2-related muscular dystrophy. Last evaluated: 2025-11-22. Review status: criteria provided, single submitter. Criteria: Invitae Variant Classification Sherloc (09022015). Collection method: clinical testing. Allele origin: germline.
Comment: This sequence change replaces cysteine, which is neutral and slightly polar, with tyrosine, which is neutral and polar, at codon 176 of the LAMA2 protein (p.Cys176Tyr). This variant is not present in population databases (gnomAD no frequency). This missense change has been observed in individual(s) with clinical features of congenital muscular dystrophy (internal data). In at least one individual the data is consistent with being in trans (on the opposite chromosome) from a pathogenic variant. ClinVar contains an entry for this variant (Variation ID: 1045184). Invitae Evidence Modeling of protein sequence and biophysical properties (such as structural, functional, and spatial information, amino acid conservation, physicochemical variation, residue mobility, and thermodynamic stability) has been performed for this missense variant. However, the output from this modeling did not meet the statistical confidence thresholds required to predict the impact of this variant on LAMA2 protein function. This variant disrupts the p.Cys176 amino acid residue in LAMA2. Other variant(s) that disrupt this residue have been observed in individuals with LAMA2-related conditions (PMID: 35868801), which suggests that this may be a clinically significant amino acid residue. In summary, the available evidence is currently insufficient to determine the role of this variant in disease. Therefore, it has been classified as a Variant of Uncertain Significance.

Literature cited by the submitters: PubMed 35868801.

NM_000426.4(LAMA2):c.527G>A (p.Cys176Tyr)

Gene: LAMA2 (laminin subunit alpha 2; plus strand). Cytogenetic location: 6q22.33.
Variant type: single nucleotide variant.
Coding change: c.527G>A on transcript NM_000426.4 (MANE Select); coding-DNA position 527, G replaced by A.
Protein change: p.Cys176Tyr; replaces cysteine 176 with tyrosine.
Molecular consequence: missense variant.
Genome position (GRCh38, 1-based): chr6:129,098,303, G>A. VCF-style: chr6-129098303-G-A. GRCh37 (hg19) VCF-style: chr6-129419448-G-A.
Other names: c.527G>A, p.Cys176Tyr (NM_001079823.2); short protein forms C176Y.
Identifiers: ClinVar variation 1045184 (VCV001045184.9), dbSNP rs1775308796, ClinGen allele CA365829314.